The following is an entry in ClinVar:

ClinVar aggregate classification (germline): Likely benign. Review status: criteria provided, multiple submitters, no conflicts (2 of 4 stars). 2 submissions from 2 submitters: Likely benign (2). Last evaluated 2025-12-09.

Conditions:
TRRAP-related disorder. Also called: TRRAP-related condition.

Allele frequency attached by ClinVar (database versions not stated): gnomAD 0.00001; gnomAD exomes 0.00002 and 0.00008; TOPMed 0.00006; ExAC 0.00008.
gnomAD v4.1: 34 of 1,614,100 alleles (0.0021%); highest among the groups gnomAD compares: Admixed American, 0.028%; no homozygotes.

Submissions (2):

Labcorp Genetics (formerly Invitae), Labcorp
Classification: Likely benign. Last evaluated: 2025-12-09. Review status: criteria provided, single submitter. Criteria: Invitae Variant Classification Sherloc (09022015). Collection method: clinical testing. Allele origin: germline.

PreventionGenetics, part of Exact Sciences
Classification: Likely benign for TRRAP-related condition. Last evaluated: 2025-11-26. Review status: criteria provided, single submitter. Criteria: ACMG Guidelines, 2015. Collection method: clinical testing. Allele origin: germline.
Comment: This variant is classified as likely benign based on ACMG/AMP sequence variant interpretation guidelines (Richards et al. 2015 PMID: 25741868, with internal and published modifications).

NM_001375524.1(TRRAP):c.3072C>T (p.Gly1024=)

Gene: TRRAP (transformation/transcription domain associated protein; plus strand). Cytogenetic location: 7q22.1.
Variant type: single nucleotide variant.
Coding change: c.3072C>T on transcript NM_001375524.1 (MANE Select); coding-DNA position 3072, C replaced by T.
Protein change: p.Gly1024=; no amino-acid change (glycine 1024 retained).
Molecular consequence: synonymous variant.
Genome position (GRCh38, 1-based): chr7:98,927,263, C>T. VCF-style: chr7-98927263-C-T. GRCh37 (hg19) VCF-style: chr7-98524886-C-T.
Other names: c.3072C>T, p.Gly1024= (NM_001244580.2, NM_003496.4); c.3072C>T (NM_003496.3).
Identifiers: ClinVar variation 1593973 (VCV001593973.9), dbSNP rs782364391, ClinGen allele CA4359920.
Genomic context (GRCh38, chr7:98,927,263, plus strand): 5'-ACATCGCTACAAAGCCCAGGACACTCCAGCCCGGAAGACTTTTGAGCAGGCCCTGACAGG[C>T]GCCTTCATGTCTGCTGTCATTAAGGACCTGCGGCCCAGCGCCCTGCCCTTTGTCGCCAGC-3'
Protein context (NP_001362453.1, residues 1014-1034): ARKTFEQALT[Gly1024=]AFMSAVIKDL